The following is an entry in ClinVar:

ClinVar aggregate classification (germline): Benign. Review status: reviewed by expert panel (3 of 4 stars). 7 submissions from 7 submitters: Benign (1). 6 of the submissions do not count toward it. Last evaluated 2023-12-06.

Conditions:
CDKL5 disorder. Identifiers: MedGen CN296942, MONDO:0100039.
Angelman syndrome-like. Identifiers: MedGen CN128785.
Developmental and epileptic encephalopathy, 2 (DEE2). Also called: CDKL5 deficiency disorder; INFANTILE SPASM SYNDROME, X-LINKED 2. Identifiers: Orphanet 1934, Orphanet 3451, Orphanet 505652, MedGen C4750718, MONDO:0010396, OMIM 300672.
Atypical Rett syndrome. Also called: Variant Rett Syndrome; Rett like syndrome. Identifiers: Orphanet 3095, MedGen C2748910, MONDO:0017746.

Allele frequency attached by ClinVar (database versions not stated): gnomAD exomes 0.00003; ExAC 0.00001; gnomAD 0.00002; TOPMed 0.00001.
gnomAD v4.1: 30 of 1,210,465 alleles (0.0025%); highest among the groups gnomAD compares: Middle Eastern, 0.023%; no homozygotes.

Submissions (7):

ClinGen Rett and Angelman-like Disorders Variant Curation Expert Panel
Classification: Benign for CDKL5 disorder. Last evaluated: 2023-12-06. Review status: reviewed by expert panel. Criteria: ClinGen RettAS ACMG Specifications CDKL5 V3.0.0. Collection method: curation. Allele origin: germline. Inheritance: X-linked inheritance.
Comment: RS1(NM_000330.4) and an alternative transcript of CDKL5 (NM_003159.2) are overlapping transcripts; however, these variants are in the noncoding 3' region of the main CDKL5 transcript (NM_001323289.2). The allele frequency of the c.2908C>T (p.Arg970Ter) variant in CDKL5 transcript (NM_003159.2) is 0.02285% in the Middle Eastern sub population in gnomAD v4, which is high enough to meet the BS1 criteria based on thresholds defined by the ClinGen Rett/Angelman-like Expert Panel for Rett/AS-like conditions (BS1). The p.Arg970Ter variant in CDKL5 has been reported in an individual with a clinical phenotype suggestive of CDKL5 disorder (PMID 19428276), however this criterion cannot be applied due the allele frequency of the variant in gnomAD (PP4 not met). The p.Arg970Ter is observed in at least 5 unaffected individuals (internal database - GeneDx). In summary, the p.Arg970Ter variant in CDKL5 is classified as Benign based on the ACMG/AMP criteria (BS1, BS2).

Labcorp Genetics (formerly Invitae), Labcorp
Classification: Likely benign for Developmental and epileptic encephalopathy, 2; Angelman syndrome-like. Last evaluated: 2026-01-14. Review status: criteria provided, single submitter. Criteria: Invitae Variant Classification Sherloc (09022015). Collection method: clinical testing. Allele origin: germline. Not counted in ClinVar's aggregate classification.

Centre for Population Genomics, CPG
Classification: Benign for CDKL5 disorder. Last evaluated: 2024-08-21. Review status: criteria provided, single submitter. Criteria: McKnight et al. (Hum Mutat. 2022). Collection method: curation. Allele origin: germline. Inheritance: X-linked inheritance. Not counted in ClinVar's aggregate classification.
Comment: This variant has been collected from RettBASE and curated to current modified ACMG/AMP criteria. Based on the classification scheme defined by the ClinGen Rett/Angelman-like Expert Panel for Rett/AS-like Disorders Specifications to the ACMG/AMP Variant Interpretation Guidelines VCEP 3.0, this variant is classified as benign. At least the following criteria are met: The allele frequency of this variant in at least one population in gnomAD v4 is between 0.008% and 0.03% (BS1). The variant is observed in at least 2 individuals with no features of CDKL5 disorder (BS2).

Mendelics
Classification: Uncertain significance. Last evaluated: 2023-06-02. Review status: criteria provided, single submitter. Criteria: Mendelics Assertion Criteria 2019. Collection method: clinical testing. Allele origin: germline. Not counted in ClinVar's aggregate classification.

GeneDx
Classification: Likely benign. Last evaluated: 2021-08-23. Review status: criteria provided, single submitter. Criteria: GeneDx Variant Classification Process June 2021. Collection method: clinical testing. Allele origin: germline. Affected: yes. Not counted in ClinVar's aggregate classification.
Comment: This variant is associated with the following publications: (PMID: 22670135, 25525159, 19428276, 23756444)

Blueprint Genetics
Classification: Likely benign. Last evaluated: 2021-04-26. Review status: criteria provided, single submitter. Criteria: ACMG Guidelines, 2015. Collection method: clinical testing. Allele origin: germline. Not counted in ClinVar's aggregate classification.

RettBASE
Classification: Uncertain significance for Atypical Rett syndrome. Last evaluated: 2014-03-13. Review status: no assertion criteria provided. Collection method: curation. Allele origin: unknown. Affected: yes. Observed: 1 variant allele. Not counted in ClinVar's aggregate classification.
Comment: In exon 20, affecting only the transcript lowly expressed

Literature cited by the submitters: PubMed 19428276 (cited by RettBASE).

NM_000330.4(RS1):c.185-3188G>A

Genes: CDKL5 (cyclin dependent kinase like 5; plus strand), RS1 (retinoschisin 1; minus strand). Cytogenetic location: Xp22.13.
Variant type: single nucleotide variant.
Coding change: c.185-3188G>A on transcript NM_000330.4 (MANE Select); 3188 bases into the intron before coding-DNA position 185, G replaced by A.
Molecular consequence: intron variant. On other transcripts: nonsense (3).
Genome position (GRCh38, 1-based): chrX:18,650,520, C>T on the plus strand (G>A on the coding strand, the complement: RS1 is on the minus strand). VCF-style: chrX-18650520-C-T. GRCh37 (hg19) VCF-style: chrX-18668640-C-T.
Other names: c.2908C>T, p.Arg970Ter (NM_001037343.2, NM_003159.3); c.2908C>T (NM_003159.2); short protein forms R970*.
Identifiers: ClinVar variation 143812 (VCV000143812.24), dbSNP rs267608665, ClinGen allele CA170485.